The following is an entry in ClinVar:

ClinVar aggregate classification (germline): Likely benign. Review status: criteria provided, multiple submitters, no conflicts (2 of 4 stars). 2 submissions from 2 submitters: Likely benign (2). Last evaluated 2021-04-22.

Conditions:
Autosomal recessive limb-girdle muscular dystrophy type 2J (LGMDR10). Also called: MUSCULAR DYSTROPHY, LIMB-GIRDLE, AUTOSOMAL RECESSIVE 10; Limb-girdle muscular dystrophy, type 2J. Identifiers: Orphanet 140922, MedGen C1837342, MONDO:0012127, OMIM 608807.
Dilated cardiomyopathy 1G (CMD1G). Identifiers: Orphanet 154, MedGen C1858763, MONDO:0011400, OMIM 604145.

Allele frequency attached by ClinVar (database versions not stated): ExAC 0.00001; gnomAD exomes 0.00001.
gnomAD v4.1: 3 of 1,613,268 alleles (0.00019%); highest among the groups gnomAD compares: Non-Finnish European, 0.00025%; no homozygotes.

Submissions (2):

Labcorp Genetics (formerly Invitae), Labcorp
Classification: Likely benign for Dilated cardiomyopathy 1G; Autosomal recessive limb-girdle muscular dystrophy type 2J. Last evaluated: 2021-04-22. Review status: criteria provided, single submitter. Criteria: Invitae Variant Classification Sherloc (09022015). Collection method: clinical testing. Allele origin: germline.

GeneDx
Classification: Likely benign. Last evaluated: 2017-11-14. Review status: criteria provided, single submitter. Criteria: GeneDx Variant Classification (06012015). Collection method: clinical testing. Allele origin: germline. Affected: yes.
Comment: This variant is considered likely benign or benign based on one or more of the following criteria: it is a conservative change, it occurs at a poorly conserved position in the protein, it is predicted to be benign by multiple in silico algorithms, and/or has population frequency not consistent with disease.

NM_001267550.2(TTN):c.71031A>G (p.Thr23677=)

Genes: TTN-AS1 (TTN antisense RNA 1; plus strand), TTN (titin; minus strand). Cytogenetic location: 2q31.2.
Variant type: single nucleotide variant.
Coding change: c.71031A>G on transcript NM_001267550.2 (MANE Select); coding-DNA position 71031, A replaced by G.
Protein change: p.Thr23677=; no amino-acid change (threonine 23677 retained).
Molecular consequence: synonymous variant.
Genome position (GRCh38, 1-based): chr2:178,575,101, T>C on the plus strand (A>G on the coding strand, the complement: TTN is on the minus strand). VCF-style: chr2-178575101-T-C. GRCh37 (hg19) VCF-style: chr2-179439828-T-C.
Other names: c.66108A>G, p.Thr22036= (NM_001256850.1); c.43836A>G, p.Thr14612= (NM_003319.4); c.63327A>G, p.Thr21109= (NM_133378.4); c.44211A>G, p.Thr14737= (NM_133432.3); c.44412A>G, p.Thr14804= (NM_133437.4).
Identifiers: ClinVar variation 513519 (VCV000513519.9), dbSNP rs749141184, ClinGen allele CA1990687.